The following is an entry in ClinVar:

NM_000532.5(PCCB):c.967-14A>G

Gene: PCCB (propionyl-CoA carboxylase subunit beta; plus strand). Cytogenetic location: 3q22.3.
Variant type: single nucleotide variant.
Coding change: c.967-14A>G on transcript NM_000532.5 (MANE Select); 14 bases into the intron before coding-DNA position 967, A replaced by G.
Molecular consequence: intron variant.
Genome position (GRCh38, 1-based): chr3:136,316,927, A>G. VCF-style: chr3-136316927-A-G. GRCh37 (hg19) VCF-style: chr3-136035769-A-G.
Other names: c.1027-14A>G (NM_001178014.2); c.967-14A>G (NM_000532.4).
Identifiers: ClinVar variation 1383347 (VCV001383347.16), dbSNP rs1011978513, ClinGen allele CA83814017.

ClinVar aggregate classification (germline): Conflicting classifications of pathogenicity. Review status: criteria provided, conflicting classifications (1 of 4 stars). 3 submissions from 3 submitters: Uncertain significance (2); Likely benign (1). Last evaluated 2025-12-28.

Conditions:
Propionic acidemia (PROP). Also called: GLYCINEMIA, KETOTIC; HYPERGLYCINEMIA WITH KETOACIDOSIS AND LEUKOPENIA; KETOTIC HYPERGLYCINEMIA. Identifiers: Orphanet 35, MedGen C0268579, MONDO:0011628, OMIM 606054, HP:0003571.
PCCB-related disorder. Also called: PCCB-related condition.

Allele frequency attached by ClinVar (database versions not stated): gnomAD exomes 0.00002 and 0.00003; TOPMed 0.00003.
gnomAD v4.1: 27 of 1,613,792 alleles (0.0017%); highest among the groups gnomAD compares: Admixed American, 0.018%; no homozygotes.

Submissions (3):

Labcorp Genetics (formerly Invitae), Labcorp
Classification: Likely benign for Propionic acidemia. Last evaluated: 2025-12-28. Review status: criteria provided, single submitter. Criteria: Invitae Variant Classification Sherloc (09022015). Collection method: clinical testing. Allele origin: germline.

CeGaT Center for Human Genetics Tuebingen
Classification: Uncertain significance. Last evaluated: 2025-07-01. Review status: criteria provided, single submitter. Criteria: CeGaT Center For Human Genetics Tuebingen Variant Classification Criteria Version 2. Collection method: clinical testing. Allele origin: germline. Affected: yes. Observed: 1 variant allele.
Comment: PCCB: PM2, BP4

PreventionGenetics, part of Exact Sciences
Classification: Uncertain significance for PCCB-related condition. Last evaluated: 2023-05-17. Review status: criteria provided, single submitter. Criteria: ACMG Guidelines, 2015. Collection method: clinical testing. Allele origin: germline.
Comment: The PCCB c.967-14A>G variant is predicted to interfere with splicing. This variant is predicted to strengthen a cryptic splice site in intron 9 based on splicing prediction programs (Alamut Visual Plus v.1.6.1). However, the use of computer prediction programs is not equivalent to functional evidence. To our knowledge, this variant has not been reported in the literature. This variant is reported in 0.023% of alleles in individuals of Latino descent in gnomAD. At this time, the clinical significance of this variant is uncertain due to the absence of conclusive functional and genetic information.